The following is an entry in ClinVar:

ClinVar aggregate classification (germline): Uncertain significance (1 of 4 stars; one submission).

Submission:

Labcorp Genetics (formerly Invitae), Labcorp
Classification: Uncertain significance. Last evaluated: 2026-01-21. Review status: criteria provided, single submitter. Criteria: Invitae Variant Classification Sherloc (09022015). Collection method: clinical testing. Allele origin: germline.
Comment: This sequence change replaces isoleucine, which is neutral and non-polar, with methionine, which is neutral and non-polar, at codon 63 of the EMC1 protein (p.Ile63Met). This variant is not present in population databases (gnomAD no frequency). This variant has not been reported in the literature in individuals affected with EMC1-related conditions. Invitae Evidence Modeling of protein sequence and biophysical properties (such as structural, functional, and spatial information, amino acid conservation, physicochemical variation, residue mobility, and thermodynamic stability) indicates that this missense variant is expected to disrupt EMC1 protein function with a positive predictive value of 80%. In summary, the available evidence is currently insufficient to determine the role of this variant in disease. Therefore, it has been classified as a Variant of Uncertain Significance.

NM_015047.3(EMC1):c.189T>G (p.Ile63Met)

Gene: EMC1 (ER membrane protein complex subunit 1; minus strand). Cytogenetic location: 1p36.13.
Variant type: single nucleotide variant.
Coding change: c.189T>G on transcript NM_015047.3 (MANE Select); coding-DNA position 189, T replaced by G.
Protein change: p.Ile63Met; replaces isoleucine 63 with methionine.
Molecular consequence: missense variant.
Genome position (GRCh38, 1-based): chr1:19,244,937, A>C on the plus strand (T>G on the coding strand, the complement: EMC1 is on the minus strand). VCF-style: chr1-19244937-A-C. GRCh37 (hg19) VCF-style: chr1-19571431-A-C.
Other names: c.189T>G, p.Ile63Met (NM_001271427.2, NM_001271428.2, NM_001271429.2 and 2 more transcripts); short protein forms I63M.
Identifiers: ClinVar variation 4745736 (VCV004745736.1).